The following is an entry in ClinVar:

NM_198253.3(TERT):c.2091G>A (p.Val697=)

Gene: TERT (telomerase reverse transcriptase; minus strand). Cytogenetic location: 5p15.33.
Variant type: single nucleotide variant.
Coding change: c.2091G>A on transcript NM_198253.3 (MANE Select); coding-DNA position 2091, G replaced by A.
Protein change: p.Val697=; no amino-acid change (valine 697 retained).
Molecular consequence: synonymous variant. On other transcripts: non-coding transcript variant (2).
Genome position (GRCh38, 1-based): chr5:1,279,330, C>T on the plus strand (G>A on the coding strand, the complement: TERT is on the minus strand). VCF-style: chr5-1279330-C-T. GRCh37 (hg19) VCF-style: chr5-1279445-C-T.
Other names: c.2091G>A, p.Val697= (NM_001193376.3).
Identifiers: ClinVar variation 416305 (VCV000416305.18), dbSNP rs377436842, ClinGen allele CA3184673.

ClinVar aggregate classification (germline): Likely benign. Review status: criteria provided, multiple submitters, no conflicts (2 of 4 stars). 5 submissions from 5 submitters: Likely benign (4). 1 of the submissions does not count toward it. Last evaluated 2025-11-18.

Conditions:
Dyskeratosis congenita. Identifiers: Orphanet 1775, MedGen C0265965, MONDO:0015780.
TERT-related disorder. Also called: TERT-related condition; TERT-related disorders.
Idiopathic Pulmonary Fibrosis. Also called: Idiopathic fibrosing alveolitis, chronic form; idiopathic fibrosing alveolitis. Identifiers: Orphanet 2032, MedGen C1800706, MeSH D054990, MONDO:0800504.
Dyskeratosis congenita, autosomal dominant 2. Identifiers: MedGen C3151443, MONDO:0013521, OMIM 613989.

Allele frequency attached by ClinVar (database versions not stated): gnomAD 0.00002 and 0.00003; gnomAD exomes 0.00002 and 0.00007; TOPMed 0.00002; ExAC 0.00004; ESP Exome Variant Server 0.00008; 1000 Genomes Project 30x 0.00016; 1000 Genomes Project 0.00020.
gnomAD v4.1: 40 of 1,585,526 alleles (0.0025%); highest among the groups gnomAD compares: Middle Eastern, 0.045%; no homozygotes.

Submissions (5):

Labcorp Genetics (formerly Invitae), Labcorp
Classification: Likely benign for Dyskeratosis congenita, autosomal dominant 2; Idiopathic Pulmonary Fibrosis. Last evaluated: 2025-11-18. Review status: criteria provided, single submitter. Criteria: Invitae Variant Classification Sherloc (09022015). Collection method: clinical testing. Allele origin: germline.

Blueprint Genetics
Classification: Likely benign. Last evaluated: 2023-01-17. Review status: criteria provided, single submitter. Criteria: ACMG Guidelines, 2015. Collection method: clinical testing. Allele origin: germline.

Ambry Genetics
Classification: Likely benign for Dyskeratosis congenita. Last evaluated: 2022-02-26. Review status: criteria provided, single submitter. Criteria: Ambry Variant Classification Scheme 2023. Collection method: clinical testing. Allele origin: germline.

Breakthrough Genomics
Classification: Likely benign. Review status: criteria provided, single submitter. Criteria: ACMG Guidelines, 2015. Collection method: not provided. Allele origin: germline. Inheritance: Autosomal recessive inheritance. Affected: yes.

PreventionGenetics, part of Exact Sciences
Classification: Likely benign for TERT-related condition. Last evaluated: 2023-03-30. Review status: no assertion criteria provided. Collection method: clinical testing. Allele origin: germline. Not counted in ClinVar's aggregate classification.
Comment: This variant is classified as likely benign based on ACMG/AMP sequence variant interpretation guidelines (Richards et al. 2015 PMID: 25741868, with internal and published modifications).